The following is an entry in ClinVar:

NM_000128.4(F11):c.422C>T (p.Thr141Met)

Gene: F11 (coagulation factor XI; plus strand). Cytogenetic location: 4q35.2.
Variant type: single nucleotide variant.
Coding change: c.422C>T on transcript NM_000128.4 (MANE Select); coding-DNA position 422, C replaced by T.
Protein change: p.Thr141Met; replaces threonine 141 with methionine.
Molecular consequence: missense variant.
Genome position (GRCh38, 1-based): chr4:186,274,212, C>T. VCF-style: chr4-186274212-C-T. GRCh37 (hg19) VCF-style: chr4-187195366-C-T.
Other names: c.422C>T, p.Thr141Met (NM_001354804.2); short protein forms T141M.
Identifiers: ClinVar variation 554924 (VCV000554924.9), dbSNP rs200593979, ClinGen allele CA3163650.
Genomic context (GRCh38, chr4:186,274,212, plus strand): 5'-AGGGCATAAACTATAACAGCTCAGTTGCCAAGAGTGCTCAAGAATGCCAAGAAAGATGCA[C>T]GGATGACGTCCACTGCCACTTTTTCACGTACGCCACAAGGCAGTTTCCCAGCCTGGAGCA-3'
Protein context (NP_000119.1, residues 131-151): KSAQECQERC[Thr141Met]DDVHCHFFTY

ClinVar aggregate classification (germline): Conflicting classifications of pathogenicity. Review status: criteria provided, conflicting classifications (1 of 4 stars). 5 submissions from 5 submitters: Likely pathogenic (3); Uncertain significance (1). 1 of the submissions does not count toward it. Last evaluated 2025-11-17.

Conditions:
Plasma factor XI deficiency.
Hereditary factor XI deficiency disease. Also called: Congenital factor XI deficiency; PLASMA THROMBOPLASTIN ANTECEDENT DEFICIENCY; PTA DEFICIENCY; ROSENTHAL SYNDROME. Identifiers: Orphanet 329, MedGen C0015523, MeSH D005173, MONDO:0012897, OMIM 612416.

Allele frequency attached by ClinVar (database versions not stated): TOPMed 0.00003; gnomAD 0.00004; ESP Exome Variant Server 0.00008; 1000 Genomes Project 30x 0.00016; 1000 Genomes Project 0.00020.
gnomAD v4.1: 40 of 1,614,150 alleles (0.0025%); highest among the groups gnomAD compares: East Asian, 0.0089%; no homozygotes.

Submissions (5):

Natera, Inc.
Classification: Likely pathogenic for Plasma factor XI deficiency. Last evaluated: 2025-11-17. Review status: criteria provided, single submitter. Criteria: Natera Variant Classification Schema (03/2026). Collection method: clinical testing. Allele origin: germline.
Comment: The c.422C>T variant in F11 is a missense variant predicted to cause substitution of threonine to methionine at amino acid 141. This variant is rare in the general population with a frequency below the threshold expected for the associated phenotype(s). This variant has been observed in one or more individuals affected with the associated recessive disease, as either homozygous or compound heterozygous with a second variant (PMID: 18515884). Functional studies show that this variant may disrupt protein function (PMID: 29178608). Computational prediction algorithms indicate this variant is likely to affect gene or protein function. Given the available evidence, this variant is classified as Likely Pathogenic.

Labcorp Genetics (formerly Invitae), Labcorp
Classification: Likely pathogenic. Last evaluated: 2025-06-08. Review status: criteria provided, single submitter. Criteria: Invitae Variant Classification Sherloc (09022015). Collection method: clinical testing. Allele origin: germline.
Comment: This sequence change replaces threonine, which is neutral and polar, with methionine, which is neutral and non-polar, at codon 141 of the F11 protein (p.Thr141Met). This variant is present in population databases (rs200593979, gnomAD 0.006%). This missense change has been observed in individual(s) with factor XI deficiency (PMID: 18515884). In at least one individual the data is consistent with being in trans (on the opposite chromosome) from a pathogenic variant. ClinVar contains an entry for this variant (Variation ID: 554924). Invitae Evidence Modeling of protein sequence and biophysical properties (such as structural, functional, and spatial information, amino acid conservation, physicochemical variation, residue mobility, and thermodynamic stability) indicates that this missense variant is expected to disrupt F11 protein function with a positive predictive value of 95%. Experimental studies have shown that this missense change affects F11 function (PMID: 29178608). In summary, the currently available evidence indicates that the variant is pathogenic, but additional data are needed to prove that conclusively. Therefore, this variant has been classified as Likely Pathogenic.

Fulgent Genetics
Classification: Uncertain significance for Hereditary factor XI deficiency disease. Last evaluated: 2022-03-24. Review status: criteria provided, single submitter. Criteria: ACMG Guidelines, 2015. Collection method: clinical testing. Allele origin: unknown.

ISTH-SSC Genomics in Thrombosis and Hemostasis, KU Leuven, Center for Molecular and Vascular Biology
Classification: Likely pathogenic for Hereditary factor XI deficiency disease. Review status: criteria provided, single submitter. Criteria: ACMG Guidelines, 2015. Collection method: clinical testing. Allele origin: germline. Affected: yes. Observed: 1 compound heterozygote.
Comment: Submitted to the GoldVariant database by Kathleen Freson, Center for Molecular and Vascular Biology

Counsyl
Classification: Uncertain significance for Hereditary factor XI deficiency disease. Last evaluated: 2017-11-08. Review status: no assertion criteria provided. Collection method: clinical testing. Allele origin: unknown. Not counted in ClinVar's aggregate classification.

Literature cited by the submitters: PubMed 18515884 (cited by 3 submitters); PubMed 29178608 (cited by Natera, Inc. and Labcorp Genetics (formerly Invitae), Labcorp).